The following is an entry in ClinVar:

ClinVar aggregate classification (germline): Uncertain significance. Review status: criteria provided, single submitter (1 of 4 stars). 2 submissions from 2 submitters: Uncertain significance (1). 1 of the submissions does not count toward it. Last evaluated 2022-06-14.

Conditions:
Deficiency of alpha-mannosidase (MANSA). Also called: LYSOSOMAL ALPHA-D-MANNOSIDASE DEFICIENCY; Mannosidosis, alpha-, types I and II; Alpha-Mannosidosis. Identifiers: Orphanet 61, MedGen C0024748, MONDO:0009561, OMIM 248500.

Allele frequency attached by ClinVar (database versions not stated): gnomAD 0.00001 and 0.00002; ExAC 0.00002; TOPMed 0.00002.

Submissions (2):

Labcorp Genetics (formerly Invitae), Labcorp
Classification: Uncertain significance for Deficiency of alpha-mannosidase. Last evaluated: 2022-06-14. Review status: criteria provided, single submitter. Criteria: Invitae Variant Classification Sherloc (09022015). Collection method: clinical testing. Allele origin: germline.
Comment: This sequence change replaces arginine, which is basic and polar, with histidine, which is basic and polar, at codon 962 of the MAN2B1 protein (p.Arg962His). This variant is present in population databases (rs750173812, gnomAD 0.003%). This missense change has been observed in individual(s) with mannosidosis (PMID: 26048034). ClinVar contains an entry for this variant (Variation ID: 554495). Algorithms developed to predict the effect of missense changes on protein structure and function are either unavailable or do not agree on the potential impact of this missense change (SIFT: "Tolerated"; PolyPhen-2: "Possibly Damaging"; Align-GVGD: "Class C0"). Experimental studies are conflicting or provide insufficient evidence to determine the effect of this variant on MAN2B1 function (PMID: 26048034). In summary, the available evidence is currently insufficient to determine the role of this variant in disease. Therefore, it has been classified as a Variant of Uncertain Significance.

Counsyl
Classification: Uncertain significance for Deficiency of alpha-mannosidase. Last evaluated: 2017-10-23. Review status: no assertion criteria provided. Collection method: clinical testing. Allele origin: unknown. Not counted in ClinVar's aggregate classification.

Literature cited by the submitters: PubMed 26048034 (cited by Labcorp Genetics (formerly Invitae), Labcorp and Counsyl).

NM_000528.4(MAN2B1):c.2885G>A (p.Arg962His)

Gene: MAN2B1 (mannosidase alpha class 2B member 1; minus strand). Cytogenetic location: 19p13.13.
Variant type: single nucleotide variant.
Coding change: c.2885G>A on transcript NM_000528.4 (MANE Select); coding-DNA position 2885, G replaced by A.
Protein change: p.Arg962His; replaces arginine 962 with histidine.
Molecular consequence: missense variant.
Genome position (GRCh38, 1-based): chr19:12,647,271, C>T on the plus strand (G>A on the coding strand, the complement: MAN2B1 is on the minus strand). VCF-style: chr19-12647271-C-T. GRCh37 (hg19) VCF-style: chr19-12758085-C-T.
Other names: c.2882G>A, p.Arg961His (NM_001173498.2); short protein forms R962H, R961H.
Identifiers: ClinVar variation 554495 (VCV000554495.4), dbSNP rs750173812, ClinGen allele CA9225888.